The following is an entry in ClinVar:

ClinVar aggregate classification (germline): Uncertain significance (1 of 4 stars; one submission).

Conditions:
Inborn genetic diseases. Identifiers: MedGen C0950123, MeSH D030342.

gnomAD v4.1: 2 of 1,613,178 alleles (0.00012%); highest among the groups gnomAD compares: Non-Finnish European, 0.00017%; no homozygotes.

Submission:

Ambry Genetics
Classification: Uncertain significance for Inborn genetic diseases. Last evaluated: 2025-07-30. Review status: criteria provided, single submitter. Criteria: Ambry Variant Classification Scheme 2023. Collection method: clinical testing. Allele origin: germline.
Comment: The p.T297P variant (also known as c.889A>C), located in coding exon 3 of the SMAD6 gene, results from an A to C substitution at nucleotide position 889. The threonine at codon 297 is replaced by proline, an amino acid with highly similar properties. This amino acid position is conserved. In addition, this alteration is predicted to be deleterious by in silico analysis. Based on the available evidence, the clinical significance of this variant remains unclear.

NM_005585.5(SMAD6):c.889A>C (p.Thr297Pro)

Gene: SMAD6 (SMAD family member 6; plus strand). Cytogenetic location: 15q22.31.
Variant type: single nucleotide variant.
Coding change: c.889A>C on transcript NM_005585.5 (MANE Select); coding-DNA position 889, A replaced by C.
Protein change: p.Thr297Pro; replaces threonine 297 with proline.
Molecular consequence: missense variant. On other transcripts: non-coding transcript variant (1).
Genome position (GRCh38, 1-based): chr15:66,716,435, A>C. VCF-style: chr15-66716435-A-C. GRCh37 (hg19) VCF-style: chr15-67008773-A-C.
Other names: short protein forms T297P.
Identifiers: ClinVar variation 4170073 (VCV004170073.1).
Genomic context (GRCh38, chr15:66,716,435, plus strand): 5'-CGCTGCCCCACGGCCAACTAAGTTCTCTTTTTCTTTCCTCCCACAGATCTGTCCGATTCC[A>C]CATTGTCTTACACTGAAACGGAGGCTACCAACTCCCTCATCACTGCTCCGGGTGAATTCT-3'
Protein context (NP_005576.3, residues 287-307): EYKPLDLSDS[Thr297Pro]LSYTETEATN